The following is an entry in ClinVar:

ClinVar aggregate classification (germline): Uncertain significance (1 of 4 stars; one submission).

Conditions:
Hereditary cancer-predisposing syndrome. Also called: Neoplastic Syndromes, Hereditary; Hereditary Cancer Syndrome; Tumor predisposition; Hereditary neoplastic syndrome. Identifiers: Orphanet 140162, MedGen C0027672, MeSH D009386, MONDO:0015356.

Allele frequency attached by ClinVar (database versions not stated): gnomAD exomes below 0.00001; ExAC 0.00001.
gnomAD v4.1: 1 of 1,614,152 alleles (0.000062%); highest among the groups gnomAD compares: Non-Finnish European, 0.000085%; no homozygotes.

Submission:

Ambry Genetics
Classification: Uncertain significance for Hereditary cancer-predisposing syndrome. Last evaluated: 2022-12-02. Review status: criteria provided, single submitter. Criteria: Ambry Variant Classification Scheme 2023. Collection method: clinical testing. Allele origin: germline.
Comment: The p.G1005R variant (also known as c.3013G>A), located in coding exon 18 of the PTCH1 gene, results from a G to A substitution at nucleotide position 3013. The glycine at codon 1005 is replaced by arginine, an amino acid with dissimilar properties. This amino acid position is highly conserved in available vertebrate species. In addition, this alteration is predicted to be deleterious by in silico analysis. Since supporting evidence is limited at this time, the clinical significance of this alteration remains unclear.

NM_000264.5(PTCH1):c.3013G>A (p.Gly1005Arg)

Gene: PTCH1 (patched 1; minus strand). Cytogenetic location: 9q22.32.
Variant type: single nucleotide variant.
Coding change: c.3013G>A on transcript NM_000264.5 (MANE Select); coding-DNA position 3013, G replaced by A.
Protein change: p.Gly1005Arg; replaces glycine 1005 with arginine.
Molecular consequence: missense variant. On other transcripts: non-coding transcript variant (1).
Genome position (GRCh38, 1-based): chr9:95,458,168, C>T on the plus strand (G>A on the coding strand, the complement: PTCH1 is on the minus strand). VCF-style: chr9-95458168-C-T. GRCh37 (hg19) VCF-style: chr9-98220450-C-T.
Other names: c.2815G>A, p.Gly939Arg (NM_001083602.3); c.3010G>A, p.Gly1004Arg (NM_001083603.3); c.2560G>A, p.Gly854Arg (NM_001083604.3, NM_001083605.3, NM_001083606.3 and 1 more transcripts); c.2857G>A, p.Gly953Arg (NM_001354918.2); short protein forms G1004R, G854R, G939R, G953R, G1005R.
Identifiers: ClinVar variation 2449633 (VCV002449633.2), dbSNP rs768898370, ClinGen allele CA5138269.
Genomic context (GRCh38, chr9:95,458,168, plus strand): 5'-GGAGGCCGATGTACTGCTCCCAGAAGAGGAAGGGGTAGCCGTTGGGGTAACTGGACAGCC[C>T]CAGGCTCGTATAGTTGCTGCAGATGGTCCTTACTTTTTCAATTGCCTCCACAAAGTCTGA-3'
Protein context (NP_000255.2, residues 995-1015): RTICSNYTSL[Gly1005Arg]LSSYPNGYPF